The following is an entry in ClinVar:

ClinVar aggregate classification (germline): Uncertain significance (1 of 4 stars; one submission).

Allele frequency attached by ClinVar (database versions not stated): gnomAD 0.00001; TOPMed 0.00002; gnomAD exomes 0.00003.
gnomAD v4.1: 42 of 1,612,868 alleles (0.0026%); highest among the groups gnomAD compares: Non-Finnish European, 0.0034%; no homozygotes.

Submission:

Labcorp Genetics (formerly Invitae), Labcorp
Classification: Uncertain significance. Last evaluated: 2023-11-03. Review status: criteria provided, single submitter. Criteria: Invitae Variant Classification Sherloc (09022015). Collection method: clinical testing. Allele origin: germline.
Comment: This sequence change replaces lysine, which is basic and polar, with asparagine, which is neutral and polar, at codon 381 of the PDE6B protein (p.Lys381Asn). This variant is present in population databases (no rsID available, gnomAD 0.01%). This variant has not been reported in the literature in individuals affected with PDE6B-related conditions. ClinVar contains an entry for this variant (Variation ID: 956255). Advanced modeling of protein sequence and biophysical properties (such as structural, functional, and spatial information, amino acid conservation, physicochemical variation, residue mobility, and thermodynamic stability) has been performed at Invitae for this missense variant, however the output from this modeling did not meet the statistical confidence thresholds required to predict the impact of this variant on PDE6B protein function. In summary, the available evidence is currently insufficient to determine the role of this variant in disease. Therefore, it has been classified as a Variant of Uncertain Significance.

NM_000283.4(PDE6B):c.1143G>C (p.Lys381Asn)

Gene: PDE6B (phosphodiesterase 6B; plus strand). Cytogenetic location: 4p16.3.
Variant type: single nucleotide variant.
Coding change: c.1143G>C on transcript NM_000283.4 (MANE Select); coding-DNA position 1143, G replaced by C.
Protein change: p.Lys381Asn; replaces lysine 381 with asparagine.
Molecular consequence: missense variant. On other transcripts: 5 prime UTR variant (1).
Genome position (GRCh38, 1-based): chr4:656,909, G>C. VCF-style: chr4-656909-G-C. GRCh37 (hg19) VCF-style: chr4-650698-G-C.
Other names: c.1143G>C, p.Lys381Asn (NM_001145291.2); c.306G>C, p.Lys102Asn (NM_001145292.2, NM_001350154.3, NM_001379246.1 and 1 more transcripts); c.-13G>C (NM_001350155.3); short protein forms K381N, K102N.
Identifiers: ClinVar variation 956255 (VCV000956255.9), dbSNP rs1191669298, ClinGen allele CA355913105.